The following is an entry in ClinVar:

ClinVar aggregate classification (germline): Uncertain significance (1 of 4 stars; one submission).

gnomAD v4.1: 3 of 1,590,040 alleles (0.00019%); highest among the groups gnomAD compares: South Asian, 0.0011%; no homozygotes.

Submission:

GeneDx
Classification: Uncertain significance. Last evaluated: 2026-03-02. Review status: criteria provided, single submitter. Criteria: GeneDx Variant Classification Process June 2021. Collection method: clinical testing. Allele origin: germline.
Comment: Not observed at significant frequency in large population cohorts (gnomAD); Has not been previously published as pathogenic or benign to our knowledge; In silico analysis is inconclusive as to whether the variant alters gene splicing. In the absence of RNA/functional studies, the actual effect of this sequence change is unknown.

NM_015557.3(CHD5):c.3388-8C>A

Gene: CHD5 (chromodomain helicase DNA binding protein 5; minus strand). Cytogenetic location: 1p36.31.
Variant type: single nucleotide variant.
Coding change: c.3388-8C>A on transcript NM_015557.3 (MANE Select); 8 bases into the intron before coding-DNA position 3388, C replaced by A.
Molecular consequence: intron variant.
Genome position (GRCh38, 1-based): chr1:6,129,077, G>T on the plus strand (C>A on the coding strand, the complement: CHD5 is on the minus strand). VCF-style: chr1-6129077-G-T. GRCh37 (hg19) VCF-style: chr1-6189137-G-T.
Identifiers: ClinVar variation 5008328 (VCV005008328.1).